The following is an entry in ClinVar:

ClinVar aggregate classification (germline): Uncertain significance (1 of 4 stars; one submission).

gnomAD v4.1: 7 of 1,575,936 alleles (0.00044%); highest among the groups gnomAD compares: South Asian, 0.0012%; no homozygotes.

Submission:

Labcorp Genetics (formerly Invitae), Labcorp
Classification: Uncertain significance. Last evaluated: 2024-12-19. Review status: criteria provided, single submitter. Criteria: Invitae Variant Classification Sherloc (09022015). Collection method: clinical testing. Allele origin: germline.
Comment: This sequence change replaces proline, which is neutral and non-polar, with arginine, which is basic and polar, at codon 36 of the NPPC protein (p.Pro36Arg). This variant is present in population databases (rs747559000, gnomAD 0.004%). This variant has not been reported in the literature in individuals affected with NPPC-related conditions. ClinVar contains an entry for this variant (Variation ID: 1947199). An algorithm developed to predict the effect of missense changes on protein structure and function (PolyPhen-2) suggests that this variant is likely to be disruptive. In summary, the available evidence is currently insufficient to determine the role of this variant in disease. Therefore, it has been classified as a Variant of Uncertain Significance.

NM_024409.4(NPPC):c.107C>G (p.Pro36Arg)

Gene: NPPC (natriuretic peptide C; minus strand). Cytogenetic location: 2q37.1.
Variant type: single nucleotide variant.
Coding change: c.107C>G on transcript NM_024409.4 (MANE Select); coding-DNA position 107, C replaced by G.
Protein change: p.Pro36Arg; replaces proline 36 with arginine.
Molecular consequence: missense variant.
Genome position (GRCh38, 1-based): chr2:231,925,699, G>C on the plus strand (C>G on the coding strand, the complement: NPPC is on the minus strand). VCF-style: chr2-231925699-G-C. GRCh37 (hg19) VCF-style: chr2-232790409-G-C.
Other names: short protein forms P36R.
Identifiers: ClinVar variation 1947199 (VCV001947199.5), dbSNP rs747559000, ClinGen allele CA2163655.